The following is an entry in ClinVar:

ClinVar aggregate classification (germline): Uncertain significance (1 of 4 stars; one submission).

Submission:

Labcorp Genetics (formerly Invitae), Labcorp
Classification: Uncertain significance. Last evaluated: 2024-11-27. Review status: criteria provided, single submitter. Criteria: Invitae Variant Classification Sherloc (09022015). Collection method: clinical testing. Allele origin: germline.
Comment: This sequence change replaces alanine, which is neutral and non-polar, with serine, which is neutral and polar, at codon 656 of the ALPK3 protein (p.Ala656Ser). This variant is not present in population databases (gnomAD no frequency). This variant has not been reported in the literature in individuals affected with ALPK3-related conditions. ClinVar contains an entry for this variant (Variation ID: 1394947). Invitae Evidence Modeling of protein sequence and biophysical properties (such as structural, functional, and spatial information, amino acid conservation, physicochemical variation, residue mobility, and thermodynamic stability) indicates that this missense variant is not expected to disrupt ALPK3 protein function with a negative predictive value of 80%. In summary, the available evidence is currently insufficient to determine the role of this variant in disease. Therefore, it has been classified as a Variant of Uncertain Significance.

NM_020778.5(ALPK3):c.1360G>T (p.Ala454Ser)

Gene: ALPK3 (alpha kinase 3; plus strand). Cytogenetic location: 15q25.3.
Variant type: single nucleotide variant.
Coding change: c.1360G>T on transcript NM_020778.5 (MANE Select); coding-DNA position 1360, G replaced by T.
Protein change: p.Ala454Ser; replaces alanine 454 with serine.
Molecular consequence: missense variant.
Genome position (GRCh38, 1-based): chr15:84,840,639, G>T. VCF-style: chr15-84840639-G-T. GRCh37 (hg19) VCF-style: chr15-85383870-G-T.
Other names: short protein forms A454S.
Identifiers: ClinVar variation 1394947 (VCV001394947.8), dbSNP rs2141557145, ClinGen allele CA393375464.